The following is an entry in ClinVar:

ClinVar aggregate classification (germline): Uncertain significance. Review status: criteria provided, multiple submitters, no conflicts (2 of 4 stars). 2 submissions from 2 submitters: Uncertain significance (2). Last evaluated 2024-03-06.

Conditions:
Basal ganglia calcification, idiopathic, 6 (PFBC6). Also called: PRIMARY FAMILIAL BRAIN CALCIFICATION 6, AUTOSOMAL DOMINANT. Identifiers: Orphanet 1980, MedGen C4225335, MONDO:0014628, OMIM 616413.

gnomAD v4.1: 3 of 1,612,248 alleles (0.00019%); highest among the groups gnomAD compares: Non-Finnish European, 0.00025%; no homozygotes.

Submissions (2):

Baylor Genetics
Classification: Uncertain significance for Basal ganglia calcification, idiopathic, 6. Last evaluated: 2024-03-06. Review status: criteria provided, single submitter. Criteria: ACMG Guidelines, 2015. Collection method: clinical testing. Allele origin: unknown.

Labcorp Genetics (formerly Invitae), Labcorp
Classification: Uncertain significance. Last evaluated: 2021-05-31. Review status: criteria provided, single submitter. Criteria: Invitae Variant Classification Sherloc (09022015). Collection method: clinical testing. Allele origin: germline.
Comment: In summary, the available evidence is currently insufficient to determine the role of this variant in disease. Therefore, it has been classified as a Variant of Uncertain Significance. Algorithms developed to predict the effect of missense changes on protein structure and function are either unavailable or do not agree on the potential impact of this missense change (SIFT: "Deleterious"; PolyPhen-2: "Probably Damaging"; Align-GVGD: "Class C15"). This variant has not been reported in the literature in individuals with XPR1-related conditions. This variant is not present in population databases (ExAC no frequency). This sequence change replaces phenylalanine with leucine at codon 386 of the XPR1 protein (p.Phe386Leu). The phenylalanine residue is highly conserved and there is a small physicochemical difference between phenylalanine and leucine.

NM_004736.4(XPR1):c.1158C>G (p.Phe386Leu)

Gene: XPR1 (xenotropic and polytropic retrovirus receptor 1; plus strand). Cytogenetic location: 1q25.3.
Variant type: single nucleotide variant.
Coding change: c.1158C>G on transcript NM_004736.4 (MANE Select); coding-DNA position 1158, C replaced by G.
Protein change: p.Phe386Leu; replaces phenylalanine 386 with leucine.
Molecular consequence: missense variant.
Genome position (GRCh38, 1-based): chr1:180,834,897, C>G. VCF-style: chr1-180834897-C-G. GRCh37 (hg19) VCF-style: chr1-180804033-C-G.
Other names: c.1158C>G, p.Phe386Leu (NM_001135669.2, NM_001328662.2); short protein forms F386L.
Identifiers: ClinVar variation 1398547 (VCV001398547.9), dbSNP rs61742073, ClinGen allele CA343840361.